The following is an entry in ClinVar:

NM_003470.3(USP7):c.164C>T (p.Ala55Val)

Gene: USP7 (ubiquitin specific peptidase 7; minus strand). Cytogenetic location: 16p13.2.
Variant type: single nucleotide variant.
Coding change: c.164C>T on transcript NM_003470.3 (MANE Select); coding-DNA position 164, C replaced by T.
Protein change: p.Ala55Val; replaces alanine 55 with valine.
Molecular consequence: missense variant. On other transcripts: 5 prime UTR variant (2), non-coding transcript variant (1).
Genome position (GRCh38, 1-based): chr16:8,930,313, G>A on the plus strand (C>T on the coding strand, the complement: USP7 is on the minus strand). VCF-style: chr16-8930313-G-A. GRCh37 (hg19) VCF-style: chr16-9024170-G-A.
Other names: c.116C>T, p.Ala39Val (NM_001286457.2); c.-309C>T (NM_001286458.2); c.-11C>T (NM_001321858.2); short protein forms A55V, A39V.
Identifiers: ClinVar variation 2303669 (VCV002303669.5), dbSNP rs560277695, ClinGen allele CA7895821.
Genomic context (GRCh38, chr16:8,930,313, plus strand): 5'-GTTTCCGCCCACTGCGAGGCGGTGAACCACAGGCACTTACCATCCTCCATGTCCTCCTCC[G>A]CGGTGTTGTGTCCATCACTCAGGGCCACATTCCCATTGATCACAGGGTTCTGAGTAATTC-3'
Protein context (NP_003461.2, residues 45-65): NVALSDGHNT[Ala55Val]EEDMEDDTSW

ClinVar aggregate classification (germline): Conflicting classifications of pathogenicity. Review status: criteria provided, conflicting classifications (1 of 4 stars). 2 submissions from 2 submitters: Uncertain significance (1); Likely benign (1). Last evaluated 2025-05-22.

Conditions:
Inborn genetic diseases. Identifiers: MedGen C0950123, MeSH D030342.

Allele frequency attached by ClinVar (database versions not stated): TOPMed 0.00003; ExAC 0.00006; gnomAD 0.00003.
gnomAD v4.1: 37 of 1,612,560 alleles (0.0023%); highest among the groups gnomAD compares: East Asian, 0.011%; 1 homozygote.

Submissions (2):

Labcorp Genetics (formerly Invitae), Labcorp
Classification: Uncertain significance. Last evaluated: 2025-05-22. Review status: criteria provided, single submitter. Criteria: Invitae Variant Classification Sherloc (09022015). Collection method: clinical testing. Allele origin: germline.
Comment: This sequence change replaces alanine, which is neutral and non-polar, with valine, which is neutral and non-polar, at codon 55 of the USP7 protein (p.Ala55Val). This variant is present in population databases (rs560277695, gnomAD 0.01%). This variant has not been reported in the literature in individuals affected with USP7-related conditions. ClinVar contains an entry for this variant (Variation ID: 2303669). An algorithm developed to predict the effect of missense changes on protein structure and function outputs the following: PolyPhen-2: "Benign". The valine amino acid residue is found in multiple mammalian species, which suggests that this missense change does not adversely affect protein function. In summary, the available evidence is currently insufficient to determine the role of this variant in disease. Therefore, it has been classified as a Variant of Uncertain Significance.

Ambry Genetics
Classification: Likely benign for Inborn genetic diseases. Last evaluated: 2022-07-26. Review status: criteria provided, single submitter. Criteria: Ambry Variant Classification Scheme 2023. Collection method: clinical testing. Allele origin: germline.